The following is an entry in ClinVar:

NM_004304.5(ALK):c.1720G>A (p.Gly574Arg)

Gene: ALK (ALK receptor tyrosine kinase; minus strand). Cytogenetic location: 2p23.2.
Variant type: single nucleotide variant.
Coding change: c.1720G>A on transcript NM_004304.5 (MANE Select); coding-DNA position 1720, G replaced by A.
Protein change: p.Gly574Arg; replaces glycine 574 with arginine.
Molecular consequence: missense variant.
Genome position (GRCh38, 1-based): chr2:29,296,985, C>T on the plus strand (G>A on the coding strand, the complement: ALK is on the minus strand). VCF-style: chr2-29296985-C-T. GRCh37 (hg19) VCF-style: chr2-29519851-C-T.
Other names: short protein forms G574R.
Identifiers: ClinVar variation 470770 (VCV000470770.22), dbSNP rs762358335, ClinGen allele CA1594552.
Genomic context (GRCh38, chr2:29,296,985, plus strand): 5'-GCCACAGGCTCAAGCCTTCATAGGCGGCGACATGCCAGACCATCCTGCCTTGCTCCTTCC[C>T]GGTTTTGTTCTCCACTAGCACCAAGGACACGTTTCCCCTCAAGACTCCACGAATGAGCCA-3'
Protein context (NP_004295.2, residues 564-584): VSLVLVENKT[Gly574Arg]KEQGRMVWHV

ClinVar aggregate classification (germline): Conflicting classifications of pathogenicity. Review status: criteria provided, conflicting classifications (1 of 4 stars). 9 submissions from 9 submitters: Uncertain significance (5); Likely benign (3). 1 of the submissions does not count toward it. Last evaluated 2026-01-19.

Conditions:
Neuroblastoma, susceptibility to, 3. Also called: ALK-Related Neuroblastic Tumor Susceptibility. Identifiers: Orphanet 635, MedGen C2751681, MONDO:0013083, OMIM 613014.
Hereditary cancer-predisposing syndrome. Also called: Hereditary neoplastic syndrome; Neoplastic Syndromes, Hereditary; Hereditary Cancer Syndrome; Tumor predisposition. Identifiers: Orphanet 140162, MedGen C0027672, MeSH D009386, MONDO:0015356.
ALK-related disorder. Also called: ALK-related condition.
Diffuse midline glioma, H3 K27-altered. Identifiers: MedGen C5669877, MONDO:1060171.

Allele frequency attached by ClinVar (database versions not stated): gnomAD 0.00001 and 0.00002; TOPMed 0.00005; gnomAD exomes 0.00010; ExAC 0.00011.

Submissions (9):

Labcorp Genetics (formerly Invitae), Labcorp
Classification: Uncertain significance for Neuroblastoma, susceptibility to, 3. Last evaluated: 2026-01-19. Review status: criteria provided, single submitter. Criteria: Invitae Variant Classification Sherloc (09022015). Collection method: clinical testing. Allele origin: germline.
Comment: This sequence change replaces glycine, which is neutral and non-polar, with arginine, which is basic and polar, at codon 574 of the ALK protein (p.Gly574Arg). This variant is present in population databases (rs762358335, gnomAD 0.02%). This variant has not been reported in the literature in individuals affected with ALK-related conditions. ClinVar contains an entry for this variant (Variation ID: 470770). An algorithm developed to predict the effect of missense changes on protein structure and function (PolyPhen-2) suggests that this variant is likely to be disruptive. In summary, the available evidence is currently insufficient to determine the role of this variant in disease. Therefore, it has been classified as a Variant of Uncertain Significance.

Blueprint Genetics
Classification: Likely benign. Last evaluated: 2024-09-16. Review status: criteria provided, single submitter. Criteria: ACMG Guidelines, 2015. Collection method: clinical testing. Allele origin: germline.

Ambry Genetics
Classification: Likely benign for Hereditary cancer-predisposing syndrome. Last evaluated: 2024-06-25. Review status: criteria provided, single submitter. Criteria: Ambry Variant Classification Scheme 2023. Collection method: clinical testing. Allele origin: germline.

GeneDx
Classification: Uncertain significance. Last evaluated: 2024-05-13. Review status: criteria provided, single submitter. Criteria: GeneDx Variant Classification Process June 2021. Collection method: clinical testing. Allele origin: germline. Affected: yes.
Comment: In silico analysis supports that this missense variant has a deleterious effect on protein structure/function; Has not been previously published as pathogenic or benign to our knowledge

Baylor Genetics
Classification: Uncertain significance for Neuroblastoma, susceptibility to, 3. Last evaluated: 2024-03-24. Review status: criteria provided, single submitter. Criteria: ACMG Guidelines, 2015. Collection method: clinical testing. Allele origin: unknown.

Fulgent Genetics
Classification: Uncertain significance for Neuroblastoma, susceptibility to, 3. Last evaluated: 2024-01-03. Review status: criteria provided, single submitter. Criteria: ACMG Guidelines, 2015. Collection method: clinical testing. Allele origin: germline.

Laboratory of Medical Genetics Unit, Bambino Gesù Children's Hospital
Classification: Uncertain significance for Diffuse midline glioma, H3 K27-altered. Last evaluated: 2022-04-08. Review status: criteria provided, single submitter. Criteria: ACMG Guidelines, 2015. Collection method: research. Allele origin: germline. Affected: yes. Observed: 1 heterozygote.

Sema4
Classification: Likely benign for Hereditary cancer-predisposing syndrome. Last evaluated: 2021-12-18. Review status: criteria provided, single submitter. Criteria: Sema4 Curation Guidelines. Collection method: curation. Allele origin: germline.

PreventionGenetics, part of Exact Sciences
Classification: Likely benign for ALK-related condition. Last evaluated: 2020-10-13. Review status: no assertion criteria provided. Collection method: clinical testing. Allele origin: germline. Not counted in ClinVar's aggregate classification.
Comment: This variant is classified as likely benign based on ACMG/AMP sequence variant interpretation guidelines (Richards et al. 2015 PMID: 25741868, with internal and published modifications).